The following is an entry in ClinVar:

NM_000274.4(OAT):c.185T>C (p.Leu62Pro)

Gene: OAT (ornithine aminotransferase; minus strand). Cytogenetic location: 10q26.13.
Variant type: single nucleotide variant.
Coding change: c.185T>C on transcript NM_000274.4 (MANE Select); coding-DNA position 185, T replaced by C.
Protein change: p.Leu62Pro; replaces leucine 62 with proline.
Molecular consequence: missense variant. On other transcripts: intron variant (2).
Genome position (GRCh38, 1-based): chr10:124,411,987, A>G on the plus strand (T>C on the coding strand, the complement: OAT is on the minus strand). VCF-style: chr10-124411987-A-G. GRCh37 (hg19) VCF-style: chr10-126100556-A-G.
Other names: c.185T>C, p.Leu62Pro (NM_001322965.2, NM_001322966.2, NM_001322967.2 and 4 more transcripts); c.-215-3022T>C (NM_001171814.2); c.-515-3022T>C (NM_001322974.2); short protein forms L62P.
Identifiers: ClinVar variation 3902522 (VCV003902522.1).

ClinVar aggregate classification (germline): Uncertain significance (1 of 4 stars; one submission).

gnomAD v4.1: 2 of 1,613,988 alleles (0.00012%); highest among the groups gnomAD compares: Non-Finnish European, 0.00017%; no homozygotes.

Submission:

Women's Health and Genetics/Laboratory Corporation of America, LabCorp
Classification: Uncertain significance. Last evaluated: 2025-05-28. Review status: criteria provided, single submitter. Criteria: LabCorp Variant Classification Summary - May 2015. Collection method: clinical testing. Allele origin: germline.
Comment: Variant summary: OAT c.185T>C (p.Leu62Pro) results in a non-conservative amino acid change in the encoded protein sequence. Algorithms developed to predict the effect of missense changes on protein structure and function all suggest that this variant is likely to be disruptive. The variant was absent in 251486 control chromosomes (gnomAD). The available data on variant occurrences in the general population are insufficient to allow any conclusion about variant significance. c.185T>C has been observed in an individual(s) affected with Ornithine Aminotransferase Deficiency (Michaud_1992). This report does not provide unequivocal conclusions about association of the variant with Ornithine Aminotransferase Deficiency. To our knowledge, no experimental evidence demonstrating an impact on protein function has been reported. The following publication has been ascertained in the context of this evaluation (PMID: 1612597). No submitters have cited clinical-significance assessments for this variant to ClinVar. Based on the evidence outlined above, the variant was classified as uncertain significance.

Literature cited by the submitters: PubMed 1612597.